The following is an entry in ClinVar:

NM_006767.4(LZTR1):c.1843_1845del (p.Lys615del)

Gene: LZTR1 (leucine zipper like post translational regulator 1; plus strand). Cytogenetic location: 22q11.21.
Variant type: Deletion.
Coding change: c.1843_1845del on transcript NM_006767.4 (MANE Select); coding-DNA positions 1843 to 1845, 3 bases deleted (AAG; older notation c.1843_1845delAAG).
Protein change: p.Lys615del; deletes lysine 615.
Molecular consequence: inframe deletion.
Genome position (GRCh38, 1-based): chr22:20,994,927-20,994,929, AAG deleted; deleting any 3 consecutive bases within chr22:20,994,926-20,994,929 gives the same sequence; the c. name uses the placement nearest the transcript's 3' end. VCF-style (leftmost placement, unchanged base first): chr22-20994925-TGAA-T. GRCh37 (hg19) VCF-style: chr22-21349214-TGAA-T.
Other names: short protein forms K615del.
Identifiers: ClinVar variation 1505462 (VCV001505462.12), dbSNP rs746246349, ClinGen allele CA10119083.

ClinVar aggregate classification (germline): Uncertain significance. Review status: criteria provided, multiple submitters, no conflicts (2 of 4 stars). 5 submissions from 5 submitters: Uncertain significance (5). Last evaluated 2026-11-24.

Conditions:
Noonan syndrome 10 (NS10). Identifiers: Orphanet 648, MedGen C4225280, MONDO:0014693, OMIM 616564.
LZTR1-related schwannomatosis. Also called: Schwannomatosis 2; Schwannomatosis-2, susceptibility to. Identifiers: Orphanet 93921, MedGen C3810283, MONDO:0014299, OMIM 615670.
Cardiovascular phenotype. Identifiers: MedGen CN230736.
Hereditary cancer-predisposing syndrome. Also called: Neoplastic Syndromes, Hereditary; Tumor predisposition; Hereditary Cancer Syndrome; Hereditary neoplastic syndrome. Identifiers: Orphanet 140162, MedGen C0027672, MeSH D009386, MONDO:0015356.
Cafe au lait spots, multiple. Also called: Neurofibromatosis type 6. Identifiers: Orphanet 2678, MedGen C1861975, MONDO:0007245, OMIM 114030, HP:0007565. Disease mechanism: loss of function.

Submissions (5):

Clinical Genetics Laboratory, Skane University Hospital Lund
Classification: Uncertain significance for Cafe au lait spots, multiple. Last evaluated: 2026-11-24. Review status: criteria provided, single submitter. Criteria: ACMG Guidelines, 2015. Collection method: clinical testing. Allele origin: germline. Affected: yes. Observed: 1 variant allele.

Labcorp Genetics (formerly Invitae), Labcorp
Classification: Uncertain significance. Last evaluated: 2025-11-05. Review status: criteria provided, single submitter. Criteria: Invitae Variant Classification Sherloc (09022015). Collection method: clinical testing. Allele origin: germline.
Comment: This variant, c.1843_1845del, results in the deletion of 1 amino acid(s) of the LZTR1 protein (p.Lys615del), but otherwise preserves the integrity of the reading frame. This variant is present in population databases (rs746246349, gnomAD 0.003%). This variant has been observed in individual(s) with multiple schwannomas (internal data). ClinVar contains an entry for this variant (Variation ID: 1505462). Experimental studies and prediction algorithms are not available or were not evaluated, and the functional significance of this variant is currently unknown. In summary, the available evidence is currently insufficient to determine the role of this variant in disease. Therefore, it has been classified as a Variant of Uncertain Significance.

Ambry Genetics
Classification: Uncertain significance for Cardiovascular phenotype; Hereditary cancer-predisposing syndrome. Last evaluated: 2025-09-09. Review status: criteria provided, single submitter. Criteria: Ambry Variant Classification Scheme 2023. Collection method: clinical testing. Allele origin: germline.
Comment: The c.1843_1845delAAG variant (also known as p.K615del) is located in coding exon 16 of the LZTR1 gene. This variant results from an in-frame AAG deletion at nucleotide positions 1843 to 1845. This results in the in-frame deletion of a lysine at codon 615. This amino acid position is highly conserved in available vertebrate species. In addition, this alteration is predicted to be deleterious by in silico analysis (Choi Y et al. PLoS ONE. 2012; 7(10):e46688). Based on the available evidence, the clinical significance of this variant remains unclear.

Baylor Genetics
Classification: Uncertain significance for LZTR1-related schwannomatosis. Last evaluated: 2024-02-28. Review status: criteria provided, single submitter. Criteria: ACMG Guidelines, 2015. Collection method: clinical testing. Allele origin: unknown.

Victorian Clinical Genetics Services, Murdoch Childrens Research Institute
Classification: Uncertain significance for Noonan syndrome 10. Last evaluated: 2020-05-21. Review status: criteria provided, single submitter. Criteria: ACMG Guidelines, 2015. Collection method: clinical testing. Allele origin: germline.
Comment: A heterozygous inframe deletion variant was identified, NM_006767.3(LZTR1):c.1843_1845del in exon 16 of 21 of the LZTR1 gene. This deletion results in the loss of a lysine at position 615 of the protein, NP_006758.2(LZTR1):p.(Lys615del). The variant is present in the gnomAD population database at a frequency of 0.00040% (1 heterozygotes, 0 homozygotes). The lysine at this position has high conservation (100 vertebrates, UCSC), and is located within the BACK1_LZTR1 domain. The variant has not been previously reported in clinical cases. Based on information available at the time of curation, this variant has been classified as a VARIANT of UNCERTAIN SIGNIFICANCE (VUS).